The following is an entry in ClinVar:

NM_000338.3(SLC12A1):c.1285G>A (p.Val429Ile)

Gene: SLC12A1 (solute carrier family 12 member 1; plus strand). Cytogenetic location: 15q21.1.
Variant type: single nucleotide variant.
Coding change: c.1285G>A on transcript NM_000338.3 (MANE Select); coding-DNA position 1285, G replaced by A.
Protein change: p.Val429Ile; replaces valine 429 with isoleucine.
Molecular consequence: missense variant.
Genome position (GRCh38, 1-based): chr15:48,241,584, G>A. VCF-style: chr15-48241584-G-A. GRCh37 (hg19) VCF-style: chr15-48533781-G-A.
Other names: c.1285G>A, p.Val429Ile (NM_001184832.2, NM_001384136.1); short protein forms V429I.
Identifiers: ClinVar variation 2909671 (VCV002909671.3), dbSNP rs755764622, ClinGen allele CA7547036.

ClinVar aggregate classification (germline): Uncertain significance (1 of 4 stars; one submission).

Allele frequency attached by ClinVar (database versions not stated): TOPMed below 0.00001; gnomAD 0.00001; ExAC 0.00002.
gnomAD v4.1: 12 of 1,613,204 alleles (0.00074%); highest among the groups gnomAD compares: Admixed American, 0.005%; no homozygotes.

Submission:

Labcorp Genetics (formerly Invitae), Labcorp
Classification: Uncertain significance. Last evaluated: 2023-11-17. Review status: criteria provided, single submitter. Criteria: Invitae Variant Classification Sherloc (09022015). Collection method: clinical testing. Allele origin: germline.
Comment: This sequence change replaces valine, which is neutral and non-polar, with isoleucine, which is neutral and non-polar, at codon 429 of the SLC12A1 protein (p.Val429Ile). This variant is present in population databases (rs755764622, gnomAD 0.006%). This variant has not been reported in the literature in individuals affected with SLC12A1-related conditions. An algorithm developed to predict the effect of missense changes on protein structure and function (PolyPhen-2) suggests that this variant is likely to be tolerated. In summary, the available evidence is currently insufficient to determine the role of this variant in disease. Therefore, it has been classified as a Variant of Uncertain Significance.